The following is an entry in ClinVar:

ClinVar aggregate classification (germline): Uncertain significance (1 of 4 stars; one submission).

Submission:

Labcorp Genetics (formerly Invitae), Labcorp
Classification: Uncertain significance. Last evaluated: 2022-05-29. Review status: criteria provided, single submitter. Criteria: Invitae Variant Classification Sherloc (09022015). Collection method: clinical testing. Allele origin: germline.
Comment: This sequence change replaces serine, which is neutral and polar, with proline, which is neutral and non-polar, at codon 141 of the DNASE2 protein (p.Ser141Pro). This variant is not present in population databases (gnomAD no frequency). This variant has not been reported in the literature in individuals affected with DNASE2-related conditions. Algorithms developed to predict the effect of missense changes on protein structure and function output the following: SIFT: "Tolerated"; PolyPhen-2: "Benign"; Align-GVGD: "Class C0". The proline amino acid residue is found in multiple mammalian species, which suggests that this missense change does not adversely affect protein function. In summary, the available evidence is currently insufficient to determine the role of this variant in disease. Therefore, it has been classified as a Variant of Uncertain Significance.

NM_001375.3(DNASE2):c.421T>C (p.Ser141Pro)

Gene: DNASE2 (deoxyribonuclease 2, lysosomal; minus strand). Cytogenetic location: 19p13.13.
Variant type: single nucleotide variant.
Coding change: c.421T>C on transcript NM_001375.3 (MANE Select); coding-DNA position 421, T replaced by C.
Protein change: p.Ser141Pro; replaces serine 141 with proline.
Molecular consequence: missense variant.
Genome position (GRCh38, 1-based): chr19:12,878,760, A>G on the plus strand (T>C on the coding strand, the complement: DNASE2 is on the minus strand). VCF-style: chr19-12878760-A-G. GRCh37 (hg19) VCF-style: chr19-12989574-A-G.
Other names: short protein forms S141P.
Identifiers: ClinVar variation 2000500 (VCV002000500.4), dbSNP rs2512549745, ClinGen allele CA404300092.